The following is an entry in ClinVar:

NC_000003.11:g.69986974_69998319del

Gene: MITF (melanocyte inducing transcription factor; plus strand). Cytogenetic location: 3p13.
Variant type: Deletion.
Identifiers: ClinVar variation 4852122 (VCV004852122.2).

ClinVar aggregate classification (germline): Pathogenic (1 of 4 stars; one submission).

Conditions:
Waardenburg syndrome type 2A (WS2A). Also called: WAARDENBURG SYNDROME WITHOUT DYSTOPIA CANTHORUM. Identifiers: Orphanet 3440, MedGen C1860339, MONDO:0008671, OMIM 193510.

Submission:

Laboratory of Molecular, Cellular and Translation Genetics in Otolaryngology/ Lim32-hcfmusp, University of Sao Paulo School of Medicine Clinics Hospital
Classification: Pathogenic for Waardenburg syndrome type 2A. Last evaluated: 2026-04-30. Review status: criteria provided, single submitter. Criteria: ACMG Guidelines, 2015. Collection method: research. Allele origin: germline. Affected: yes.
Comment: NC_000003.11:g.69986974_69998319del (deletion of exons 2 to 5; NM_000248.3). This structural variant has been classified as pathogenic. It encompasses protein-coding and other functionally relevant genomic elements (ClinGen CNV scoring category 1A). The variant partially overlaps an established haploinsufficient (HI)/loss-of-function (LOF)-sensitive genomic region but does not fully include the known critical region or causative gene (ClinGen CNV scoring category 2B). In addition, both breakpoints are located within the coding region of the same gene, consistent with a gene-level sequence variant (ClinGen CNV scoring category 2E). Overall, these findings support the causative role of this variant in the proband, most consistent with autosomal dominant Waardenburg syndrome type IIA as described in PMID: 42233699.

Literature cited by the submitters: PubMed 42233699.